The following is an entry in ClinVar:

ClinVar aggregate classification (germline): Uncertain significance (1 of 4 stars; one submission).

Conditions:
Immunodeficiency 104. Also called: Severe combined immunodeficiency, autosomal recessive, T cell-negative, B cell-positive, NK cell-positive; IMMUNODEFICIENCY 104, SEVERE COMBINED; SCID, AUTOSOMAL RECESSIVE, T CELL-NEGATIVE, B CELL-POSITIVE, NK CELL-POSITIVE; Severe Combined Immune Deficiency, Autosomal Recessive, TCell -Negative, B Cell-Positive, NK Cell-Positive, IL7R-Related. Identifiers: MedGen C5676890, MONDO:0012163, OMIM 608971.

Submission:

Labcorp Genetics (formerly Invitae), Labcorp
Classification: Uncertain significance for Immunodeficiency 104. Last evaluated: 2022-07-12. Review status: criteria provided, single submitter. Criteria: Invitae Variant Classification Sherloc (09022015). Collection method: clinical testing. Allele origin: germline.
Comment: This sequence change replaces lysine, which is basic and polar, with glutamic acid, which is acidic and polar, at codon 878 of the PTPRC protein (p.Lys878Glu). This variant is not present in population databases (gnomAD no frequency). This variant has not been reported in the literature in individuals affected with PTPRC-related conditions. ClinVar contains an entry for this variant (Variation ID: 954024). Algorithms developed to predict the effect of missense changes on protein structure and function are either unavailable or do not agree on the potential impact of this missense change (SIFT: "Deleterious"; PolyPhen-2: "Benign"; Align-GVGD: "Class C15"). In summary, the available evidence is currently insufficient to determine the role of this variant in disease. Therefore, it has been classified as a Variant of Uncertain Significance.

NM_002838.5(PTPRC):c.2632A>G (p.Lys878Glu)

Gene: PTPRC (protein tyrosine phosphatase receptor type C; plus strand). Cytogenetic location: 1q32.1.
Variant type: single nucleotide variant.
Coding change: c.2632A>G on transcript NM_002838.5 (MANE Select); coding-DNA position 2632, A replaced by G.
Protein change: p.Lys878Glu; replaces lysine 878 with glutamic acid.
Molecular consequence: missense variant.
Genome position (GRCh38, 1-based): chr1:198,742,302, A>G. VCF-style: chr1-198742302-A-G. GRCh37 (hg19) VCF-style: chr1-198711431-A-G.
Other names: c.2149A>G, p.Lys717Glu (NM_080921.4); short protein forms K878E, K717E.
Identifiers: ClinVar variation 954024 (VCV000954024.10), dbSNP rs1654939426, ClinGen allele CA344051209.